The following is an entry in ClinVar:

NM_000051.4(ATM):c.73-3C>T

Gene: ATM (ATM serine/threonine kinase; plus strand). Cytogenetic location: 11q22.3.
Variant type: single nucleotide variant.
Coding change: c.73-3C>T on transcript NM_000051.4 (MANE Select); 3 bases into the intron before coding-DNA position 73, C replaced by T.
Molecular consequence: intron variant.
Genome position (GRCh38, 1-based): chr11:108,227,773, C>T. VCF-style: chr11-108227773-C-T. GRCh37 (hg19) VCF-style: chr11-108098500-C-T.
Other names: c.73-3C>T (NM_001351834.2, NM_001351835.2, NM_001351836.2).
Identifiers: ClinVar variation 482684 (VCV000482684.12), dbSNP rs1555054039, ClinGen allele CA658656136.
Genomic context (GRCh38, chr11:108,227,773, plus strand): 5'-ATTCAATTTTTCCTTGAAATAAGTGTGATTAGTAACCCATTATTATTTCCTTTTTATTTT[C>T]AGAAAGAAGTTGAGAAATTTAAGCGCCTGATTCGAGATCCTGAAACAATTAAACATCTAG-3'

ClinVar aggregate classification (germline): Conflicting classifications of pathogenicity. Review status: criteria provided, conflicting classifications (1 of 4 stars). 3 submissions from 3 submitters: Uncertain significance (2); Likely benign (1). Last evaluated 2023-10-17.

Conditions:
Hereditary cancer-predisposing syndrome. Also called: Hereditary neoplastic syndrome; Neoplastic Syndromes, Hereditary; Tumor predisposition; Hereditary Cancer Syndrome. Identifiers: Orphanet 140162, MedGen C0027672, MeSH D009386, MONDO:0015356.
Ataxia-telangiectasia syndrome (AT). Also called: LOUIS-BAR SYNDROME; Cerebello-oculocutaneous telangiectasia; Immunodeficiency with ataxia telangiectasia; AT, COMPLEMENTATION GROUP C; Ataxia-telangiectasia, complementation group D; ATAXIA-TELANGIECTASIA, COMPLEMENTATION GROUP A. Identifiers: Orphanet 100, MedGen C0004135, MONDO:0008840, OMIM 208900.

gnomAD v4.1: 1 of 1,613,152 alleles (0.000062%); no homozygotes.

Submissions (3):

Labcorp Genetics (formerly Invitae), Labcorp
Classification: Uncertain significance for Ataxia-telangiectasia syndrome. Last evaluated: 2023-10-17. Review status: criteria provided, single submitter. Criteria: Invitae Variant Classification Sherloc (09022015). Collection method: clinical testing. Allele origin: germline.
Comment: This sequence change falls in intron 2 of the ATM gene. It does not directly change the encoded amino acid sequence of the ATM protein. It affects a nucleotide within the consensus splice site. This variant is not present in population databases (gnomAD no frequency). This variant has not been reported in the literature in individuals affected with ATM-related conditions. ClinVar contains an entry for this variant (Variation ID: 482684). Variants that disrupt the consensus splice site are a relatively common cause of aberrant splicing (PMID: 17576681, 9536098). Algorithms developed to predict the effect of sequence changes on RNA splicing suggest that this variant is not likely to affect RNA splicing. This variant disrupts the c.73-3C nucleotide in the ATM gene. Other variant(s) that disrupt this nucleotide have been determined to be pathogenic (PMID: 31642931). This suggests that this nucleotide is clinically significant, and that variants that disrupt this position are likely to be disease-causing. In summary, the available evidence is currently insufficient to determine the role of this variant in disease. Therefore, it has been classified as a Variant of Uncertain Significance.

Ambry Genetics
Classification: Likely benign for Hereditary cancer-predisposing syndrome. Last evaluated: 2023-05-26. Review status: criteria provided, single submitter. Criteria: Ambry Variant Classification Scheme 2023. Collection method: clinical testing. Allele origin: germline.

Women's Health and Genetics/Laboratory Corporation of America, LabCorp
Classification: Uncertain significance. Last evaluated: 2018-02-16. Review status: criteria provided, single submitter. Criteria: LabCorp Variant Classification Summary - May 2015. Collection method: clinical testing. Allele origin: germline.
Comment: Variant summary: ATM c.73-3C>T alters a conserved nucleotide located close to a canonical splice site and therefore could affect mRNA splicing, leading to a significantly altered protein sequence. 5/5 computational tools predict no significant impact on normal splicing. However, these predictions have yet to be confirmed by functional studies. The variant was absent in 121102 control chromosomes (in ExAC). The available data on variant occurrences in the general population are insufficient to allow any conclusion about variant significance. To our knowledge, no occurrence of c.73-3C>T in individuals affected with Breast Cancer and no experimental evidence demonstrating its impact on protein function have been reported. One clinical diagnostic laboratory has submitted clinical-significance assessments for this variant to ClinVar after 2014 without evidence for independent evaluation, and classified the variant as uncertain significance. Based on the evidence outlined above, the variant was classified as uncertain significance.

Literature cited by the submitters: PubMed 17576681 (cited by Labcorp Genetics (formerly Invitae), Labcorp); PubMed 9536098 (cited by Labcorp Genetics (formerly Invitae), Labcorp); PubMed 31642931 (cited by Labcorp Genetics (formerly Invitae), Labcorp).